The following is an entry in ClinVar:

NM_001395413.1(POR):c.1020del (p.Asp341fs)

Genes: POR (cytochrome p450 oxidoreductase; plus strand), LOC126860075 (CDK7 strongly-dependent group 2 enhancer GRCh37_chr7:75612087-75613286; plus strand). Cytogenetic location: 7q11.23.
Variant type: Deletion.
Coding change: c.1020del on transcript NM_001395413.1 (MANE Select); coding-DNA position 1020, one base deleted (C; older notation c.1020delC).
Protein change: p.Asp341fs; shifts the reading frame from aspartic acid 341.
Molecular consequence: frameshift variant.
Genome position (GRCh38, 1-based): chr7:75,983,819, C deleted; the last of 2 consecutive C bases (chr7:75,983,818-75,983,819); deleting either gives the same sequence. VCF-style (leftmost placement, unchanged base first): chr7-75983817-GC-G. GRCh37 (hg19) VCF-style: chr7-75613135-GC-G.
Other names: c.1029delC, p.Asp344Thrfs (NM_000941.2, NM_000941.3); c.1020del, p.Asp341fs (NM_001367562.3, NM_001382657.2, NM_001382658.3 and 2 more transcripts); c.1074del, p.Asp359fs (NM_001382655.3); short protein forms D359fs, D341fs.
Identifiers: ClinVar variation 2777822 (VCV002777822.3), dbSNP rs782425291, ClinGen allele CA4303945.

ClinVar aggregate classification (germline): Pathogenic (1 of 4 stars; one submission).

Conditions:
Congenital adrenal hyperplasia due to cytochrome P450 oxidoreductase deficiency. Also called: DISORDERED STEROIDOGENESIS DUE TO POR DEFICIENCY. Identifiers: Orphanet 95699, MedGen C1860042, MONDO:0013310, OMIM 613571.

Submission:

Labcorp Genetics (formerly Invitae), Labcorp
Classification: Pathogenic for Congenital adrenal hyperplasia due to cytochrome P450 oxidoreductase deficiency. Last evaluated: 2023-05-09. Review status: criteria provided, single submitter. Criteria: Invitae Variant Classification Sherloc (09022015). Collection method: clinical testing. Allele origin: germline.
Comment: This sequence change creates a premature translational stop signal (p.Asp344Thrfs*8) in the POR gene. It is expected to result in an absent or disrupted protein product. Loss-of-function variants in POR are known to be pathogenic (PMID: 14758361, 20732302, 21741353). This variant is present in population databases (rs782425291, gnomAD 0.0009%). This variant has not been reported in the literature in individuals affected with POR-related conditions. For these reasons, this variant has been classified as Pathogenic.

Literature cited by the submitters: PubMed 14758361; PubMed 20732302; PubMed 21741353.